The following is an entry in ClinVar:

ClinVar aggregate classification (germline): Uncertain significance (1 of 4 stars; one submission).

Conditions:
Cardiovascular phenotype. Identifiers: MedGen CN230736.

gnomAD v4.1: 3 of 1,065,478 alleles (0.00028%); highest among the groups gnomAD compares: Non-Finnish European, 0.00038%; no homozygotes.

Submission:

Ambry Genetics
Classification: Uncertain significance for Cardiovascular phenotype. Last evaluated: 2026-01-12. Review status: criteria provided, single submitter. Criteria: Ambry Variant Classification Scheme 2023. Collection method: clinical testing. Allele origin: germline.
Comment: The p.K542* variant (also known as c.1624A>T), located in coding exon 28 of the TRDN gene, results from an A to T substitution at nucleotide position 1624. This changes the amino acid from a lysine to a stop codon within coding exon 28. This alteration is expected to result in loss of function by premature protein truncation or nonsense-mediated mRNA decay. However, this alteration does not impact the predominant cardiac isoform ofTRDN(NM_001256021.1; Kobayashi YM et al. J. Biol. Chem., 1999 Oct;274:28660-8). Since supporting evidence is limited at this time, the clinical significance of this alteration remains unclear.

NM_006073.4(TRDN):c.1624A>T (p.Lys542Ter)

Gene: TRDN (triadin; minus strand). Cytogenetic location: 6q22.31.
Variant type: single nucleotide variant.
Coding change: c.1624A>T on transcript NM_006073.4 (MANE Select); coding-DNA position 1624, A replaced by T.
Protein change: p.Lys542Ter; replaces lysine 542 with a stop codon.
Molecular consequence: nonsense.
Genome position (GRCh38, 1-based): chr6:123,273,337, T>A on the plus strand (A>T on the coding strand, the complement: TRDN is on the minus strand). VCF-style: chr6-123273337-T-A. GRCh37 (hg19) VCF-style: chr6-123594482-T-A.
Other names: short protein forms K542*.
Identifiers: ClinVar variation 4841522 (VCV004841522.1).